The following is an entry in ClinVar:

ClinVar aggregate classification (germline): Uncertain significance (1 of 4 stars; one submission).

Submission:

Labcorp Genetics (formerly Invitae), Labcorp
Classification: Uncertain significance. Last evaluated: 2026-01-26. Review status: criteria provided, single submitter. Criteria: Invitae Variant Classification Sherloc (09022015). Collection method: clinical testing. Allele origin: germline.
Comment: This sequence change replaces arginine, which is basic and polar, with threonine, which is neutral and polar, at codon 380 of the CTNNA1 protein (p.Arg380Thr). This variant is not present in population databases (gnomAD no frequency). This variant has not been reported in the literature in individuals affected with CTNNA1-related conditions. Invitae Evidence Modeling of protein sequence and biophysical properties (such as structural, functional, and spatial information, amino acid conservation, physicochemical variation, residue mobility, and thermodynamic stability) has been performed for this missense variant. However, the output from this modeling did not meet the statistical confidence thresholds required to predict the impact of this variant on CTNNA1 protein function. In summary, the available evidence is currently insufficient to determine the role of this variant in disease. Therefore, it has been classified as a Variant of Uncertain Significance.

NM_001903.5(CTNNA1):c.1139G>C (p.Arg380Thr)

Gene: CTNNA1 (catenin alpha 1; plus strand). Cytogenetic location: 5q31.2.
Variant type: single nucleotide variant.
Coding change: c.1139G>C on transcript NM_001903.5 (MANE Select); coding-DNA position 1139, G replaced by C.
Protein change: p.Arg380Thr; replaces arginine 380 with threonine.
Molecular consequence: missense variant. On other transcripts: 5 prime UTR variant (5), intron variant (2).
Genome position (GRCh38, 1-based): chr5:138,886,288, G>C. VCF-style: chr5-138886288-G-C. GRCh37 (hg19) VCF-style: chr5-138221977-G-C.
Other names: c.1139G>C, p.Arg380Thr (NM_001290307.3, NM_001323982.2, NM_001323983.1 and 3 more transcripts); c.830G>C, p.Arg277Thr (NM_001290309.3); c.770G>C, p.Arg257Thr (NM_001290310.3); c.29G>C, p.Arg10Thr (NM_001290312.1, NM_001323987.1, NM_001323988.1 and 18 more transcripts); c.-369G>C (NM_001324006.1, NM_001324007.1, NM_001324008.1 and 1 more transcripts); c.-244G>C (NM_001324013.1); c.-58+10691G>C (NM_001324012.1); c.-61+10691G>C (NM_001324010.1); short protein forms R10T, R380T, R257T, R277T.
Identifiers: ClinVar variation 4738920 (VCV004738920.1).
Genomic context (GRCh38, chr5:138,886,288, plus strand): 5'-GAAGTGATGCACTCAATTCTGCAATAGATAAAATGACCAAGAAGACCAGGGACTTGCGTA[G>C]ACAGGTAATCTGGATGAAAGTGCTGATTGTTTTTCTAAGTTCTCAATTTTGTAGTTTTGA-3'
Protein context (NP_001894.2, residues 370-390): KMTKKTRDLR[Arg380Thr]QLRKAVMDHV